The following is an entry in ClinVar:

ClinVar aggregate classification (germline): Conflicting classifications of pathogenicity. Review status: criteria provided, conflicting classifications (1 of 4 stars). 7 submissions from 7 submitters: Uncertain significance (6); Likely benign (1). Last evaluated 2025-12-10.

Conditions:
Central core myopathy (CMYO1A). Also called: Central core disease; Myopathy, central fibrillar; CONGENITAL MYOPATHY 1A, AUTOSOMAL DOMINANT, WITH SUSCEPTIBILITY TO MALIGNANT HYPERTHERMIA. Identifiers: Orphanet 597, MedGen C5830701, MONDO:0007294, OMIM 117000.
King Denborough syndrome (KDS). Identifiers: MedGen C1840365, MONDO:0020485, OMIM 619542.
Malignant hyperthermia, susceptibility to, 1 (MHS1). Also called: RYR1-Related Malignant Hyperthermia Susceptibility; Malignant hyperthermia suceptibility 1; Anesthesia related hyperthermia; Malignant hyperpyrexia; Fulminating hyperpyrexia; Pharmacogenic myopathy. Identifiers: Orphanet 423, MedGen C2930980, MONDO:0007783, OMIM 145600.
Congenital multicore myopathy with external ophthalmoplegia (CMYO1B). Also called: Minicore myopathy with external ophthalmoplegia; MULTIMINICORE DISEASE WITH EXTERNAL OPHTHALMOPLEGIA; Congenital myopathy 1B, autosomal recessive; Minicore myopathy; MULTICORE MYOPATHY. Identifiers: Orphanet 598, Orphanet 98905, MedGen C1850674, MONDO:0009712, OMIM 255320, HP:0003789.
Congenital myopathy with fiber type disproportion. Also called: Congenital fiber-type disproportion myopathy; Congenital fiber-type disproportion. Identifiers: Orphanet 2020, MedGen C0546264, MONDO:0009711. Inheritance: all.
RYR1-related disorder. Also called: RYR1-related disorders; RYR1-related condition. Identifiers: MedGen CN239331.

Allele frequency attached by ClinVar (database versions not stated): gnomAD exomes 0.00001 and 0.00003; ExAC 0.00003; ESP Exome Variant Server 0.00015; gnomAD 0.00015; 1000 Genomes Project 0.00020; TOPMed 0.00022; 1000 Genomes Project 30x 0.00031.
gnomAD v4.1: 41 of 1,613,880 alleles (0.0025%); highest among the groups gnomAD compares: African/African-American, 0.053%; no homozygotes.

Submissions (7):

Labcorp Genetics (formerly Invitae), Labcorp
Classification: Likely benign for RYR1-related disorder. Last evaluated: 2025-12-10. Review status: criteria provided, single submitter. Criteria: Invitae Variant Classification Sherloc (09022015). Collection method: clinical testing. Allele origin: germline.

All of Us Research Program, National Institutes of Health
Classification: Uncertain significance for Malignant hyperthermia, susceptibility to, 1. Last evaluated: 2024-08-13. Review status: criteria provided, single submitter. Criteria: ACMG Guidelines, 2015. Collection method: clinical testing. Allele origin: germline. Inheritance: Autosomal dominant inheritance. Observed: 21 variant alleles, 21 heterozygotes.
Comment: This missense variant replaces cysteine with tyrosine at codon 844 of the RYR1 protein. Computational prediction is inconclusive regarding the impact of this variant on protein structure and function (internally defined REVEL score threshold 0.5 < inconclusive < 0.7, PMID: 27666373). To our knowledge, functional studies have not been reported for this variant. This variant has not been reported in individuals affected with RYR1-related disorders in the literature. This variant has been identified in 14/282408 chromosomes in the general population by the Genome Aggregation Database (gnomAD). The available evidence is insufficient to determine the role of this variant in disease conclusively. Therefore, this variant is classified as a Variant of Uncertain Significance.

This study involves interpretation of variants in research participants for the purpose of population health screening. Participant phenotype was not available at the time of variant classification. Additional details can be found in publication PMID: 35346344, PMCID: PMC8962531

Color Diagnostics, LLC DBA Color Health
Classification: Uncertain significance for Malignant hyperthermia, susceptibility to, 1. Last evaluated: 2024-04-25. Review status: criteria provided, single submitter. Criteria: ACMG Guidelines, 2015. Collection method: clinical testing. Allele origin: germline.
Comment: This missense variant replaces cysteine with tyrosine at codon 844 of the RYR1 protein. Computational prediction is inconclusive regarding the impact of this variant on protein structure and function. To our knowledge, functional studies have not been reported for this variant. This variant has not been reported in individuals affected with RYR1-related disorders in the literature. This variant has been identified in 14/282408 chromosomes in the general population by the Genome Aggregation Database (gnomAD). The available evidence is insufficient to determine the role of this variant in disease conclusively. Therefore, this variant is classified as a Variant of Uncertain Significance.

Fulgent Genetics
Classification: Uncertain significance for Central core myopathy; Malignant hyperthermia, susceptibility to, 1; Congenital myopathy 4A, autosomal dominant; Congenital multicore myopathy with external ophthalmoplegia; King Denborough syndrome. Last evaluated: 2021-09-29. Review status: criteria provided, single submitter. Criteria: ACMG Guidelines, 2015. Collection method: clinical testing. Allele origin: unknown.

Revvity Omics, Revvity
Classification: Uncertain significance. Last evaluated: 2021-09-15. Review status: criteria provided, single submitter. Criteria: ACMG Guidelines, 2015. Collection method: clinical testing. Allele origin: germline.

GeneDx
Classification: Uncertain significance. Last evaluated: 2020-04-01. Review status: criteria provided, single submitter. Criteria: GeneDx Variant Classification Process June 2021. Collection method: clinical testing. Allele origin: germline. Affected: yes.
Comment: Has not been previously published as pathogenic or benign to our knowledge; In silico analysis, which includes protein predictors and evolutionary conservation, supports that this variant does not alter protein structure/function

PreventionGenetics, part of Exact Sciences
Classification: Uncertain significance. Last evaluated: 2015-06-30. Review status: criteria provided, single submitter. Criteria: ACMG Guidelines, 2015. Collection method: clinical testing. Allele origin: germline.

NM_000540.3(RYR1):c.2531G>A (p.Cys844Tyr)

Gene: RYR1 (ryanodine receptor 1; plus strand). Cytogenetic location: 19q13.2.
Variant type: single nucleotide variant.
Coding change: c.2531G>A on transcript NM_000540.3 (MANE Select); coding-DNA position 2531, G replaced by A.
Protein change: p.Cys844Tyr; replaces cysteine 844 with tyrosine.
Molecular consequence: missense variant.
Genome position (GRCh38, 1-based): chr19:38,460,545, G>A. VCF-style: chr19-38460545-G-A. GRCh37 (hg19) VCF-style: chr19-38951185-G-A.
Other names: c.2531G>A, p.Cys844Tyr (NM_001042723.2); short protein forms C844Y.
Identifiers: ClinVar variation 572029 (VCV000572029.17), dbSNP rs146754847, ClinGen allele CA063399.